The following is an entry in ClinVar:

NM_001370298.3(FGD4):c.*3630T>C

Gene: FGD4 (FYVE, RhoGEF and PH domain containing 4; plus strand). Cytogenetic location: 12p11.21.
Variant type: single nucleotide variant.
Coding change: c.*3630T>C on transcript NM_001370298.3 (MANE Select); 3630 bases downstream of the stop codon, T replaced by C.
Molecular consequence: 3 prime UTR variant. On other transcripts: intron variant (3).
Genome position (GRCh38, 1-based): chr12:32,644,163, T>C. VCF-style: chr12-32644163-T-C. GRCh37 (hg19) VCF-style: chr12-32797097-T-C.
Other names: c.*3630T>C (NM_001304481.2, NM_001304484.2, NM_001330373.2 and 5 more transcripts); c.2633-431T>C (NM_001384126.1); c.2222-431T>C (NM_001384127.1, NM_001384128.1).
Identifiers: ClinVar variation 308349 (VCV000308349.5), dbSNP rs73313005, ClinGen allele CA10641889.
Genomic context (GRCh38, chr12:32,644,163, plus strand): 5'-ATATTTATAAGCTAAAATTAACTCAAAAGTCAAGAATGTCTTAATGTTTTCATTCTTAAA[T>C]TTTGTATTCTCCAAGAATGTATTAGTATATGAACTGTGGCCAACCAGTTCCTATTCTTCA-3'

ClinVar aggregate classification (germline): Benign (1 of 4 stars; one submission).

Conditions:
Charcot-Marie-Tooth disease type 4H (CMT4H). Also called: CHARCOT-MARIE-TOOTH DISEASE, AUTOSOMAL RECESSIVE, TYPE 4H; CHARCOT-MARIE-TOOTH DISEASE, DEMYELINATING, AUTOSOMAL RECESSIVE, TYPE 4H; CHARCOT-MARIE-TOOTH NEUROPATHY, TYPE 4H; CHARCOT-MARIE-TOOTH DISEASE, DEMYELINATING, TYPE 4H. Identifiers: Orphanet 99954, MedGen C1836336, MONDO:0012250, OMIM 609311.

Allele frequency attached by ClinVar (database versions not stated): gnomAD 0.03331 and 0.03542; TOPMed 0.03667; 1000 Genomes Project 0.03894; 1000 Genomes Project 30x 0.04154.

Submission:

Illumina Laboratory Services, Illumina
Classification: Benign for Charcot-Marie-Tooth disease type 4H. Last evaluated: 2018-01-13. Review status: criteria provided, single submitter. Criteria: ICSL Variant Classification Criteria 13 December 2019. Collection method: clinical testing. Allele origin: germline.
Comment: This variant was observed in the ICSL laboratory as part of a predisposition screen in an ostensibly healthy population. It had not been previously curated by ICSL or reported in the Human Gene Mutation Database (HGMD: prior to June 1st, 2018), and was therefore a candidate for classification through an automated scoring system. Utilizing variant allele frequency, disease prevalence and penetrance estimates, and inheritance mode, an automated score was calculated to assess if this variant is too frequent to cause the disease. Based on the score and internal cut-off values, a variant classified as benign is not then subjected to further curation. The score for this variant resulted in a classification of benign for this disease.